The following is an entry in ClinVar:

NM_001024630.4(RUNX2):c.664G>A (p.Asp222Asn)

Gene: RUNX2 (RUNX family transcription factor 2; plus strand). Cytogenetic location: 6p21.1.
Variant type: single nucleotide variant.
Coding change: c.664G>A on transcript NM_001024630.4 (MANE Select); coding-DNA position 664, G replaced by A.
Protein change: p.Asp222Asn; replaces aspartic acid 222 with asparagine.
Molecular consequence: missense variant.
Genome position (GRCh38, 1-based): chr6:45,438,030, G>A. VCF-style: chr6-45438030-G-A. GRCh37 (hg19) VCF-style: chr6-45405767-G-A.
Other names: c.664G>A, p.Asp222Asn (NM_001015051.4); c.622G>A, p.Asp208Asn (NM_001278478.2, NM_001369405.1, NM_004348.3); short protein forms D208N, D222N.
Identifiers: ClinVar variation 2632732 (VCV002632732.4), dbSNP rs1798736907, ClinGen allele CA363955394.
Genomic context (GRCh38, chr6:45,438,030, plus strand): 5'-ACCGTCTTCACAAATCCTCCCCAAGTAGCTACCTATCACAGAGCAATTAAAGTTACAGTA[G>A]ATGGACCTCGGGAACCCAGAAGTAAGTACTCCCCTTTTTATTGAAGAAAGTAATAGAGTT-3'
Protein context (NP_001019801.3, residues 212-232): TYHRAIKVTV[Asp222Asn]GPREPRRHRQ

ClinVar aggregate classification (germline): Uncertain significance. Review status: criteria provided, multiple submitters, no conflicts (2 of 4 stars). 2 submissions from 2 submitters: Uncertain significance (2). Last evaluated 2023-05-23.

Conditions:
RUNX2-related disorder. Also called: RUNX2-related condition.

Submissions (2):

PreventionGenetics, part of Exact Sciences
Classification: Uncertain significance for RUNX2-related condition. Last evaluated: 2023-05-23. Review status: criteria provided, single submitter. Criteria: ACMG Guidelines, 2015. Collection method: clinical testing. Allele origin: germline.
Comment: The RUNX2 c.664G>A variant is predicted to result in the amino acid substitution p.Asp222Asn. To our knowledge, this variant has not been reported in the literature or in a large population database, indicating this variant is rare. At this time, the clinical significance of this variant is uncertain due to the absence of conclusive functional and genetic evidence.

Labcorp Genetics (formerly Invitae), Labcorp
Classification: Uncertain significance. Last evaluated: 2023-01-24. Review status: criteria provided, single submitter. Criteria: Invitae Variant Classification Sherloc (09022015). Collection method: clinical testing. Allele origin: germline.
Comment: In summary, the available evidence is currently insufficient to determine the role of this variant in disease. Therefore, it has been classified as a Variant of Uncertain Significance. This variant disrupts the p.Asp222 amino acid residue in RUNX2. Other variant(s) that disrupt this residue have been determined to be pathogenic (Invitae). This suggests that this residue is clinically significant, and that variants that disrupt this residue are likely to be disease-causing. Advanced modeling of protein sequence and biophysical properties (such as structural, functional, and spatial information, amino acid conservation, physicochemical variation, residue mobility, and thermodynamic stability) performed at Invitae indicates that this missense variant is expected to disrupt RUNX2 protein function. This missense change has been observed in individual(s) with RUNX2-related conditions (Invitae). This variant is not present in population databases (gnomAD no frequency). This sequence change replaces aspartic acid, which is acidic and polar, with asparagine, which is neutral and polar, at codon 222 of the RUNX2 protein (p.Asp222Asn).